The following is an entry in ClinVar:

NM_003954.5(MAP3K14):c.1009C>T (p.Leu337=)

Gene: MAP3K14 (mitogen-activated protein kinase kinase kinase 14; minus strand). Cytogenetic location: 17q21.31.
Variant type: single nucleotide variant.
Coding change: c.1009C>T on transcript NM_003954.5 (MANE Select); coding-DNA position 1009, C replaced by T.
Protein change: p.Leu337=; no amino-acid change (leucine 337 retained).
Molecular consequence: synonymous variant.
Genome position (GRCh38, 1-based): chr17:45,286,574, G>A on the plus strand (C>T on the coding strand, the complement: MAP3K14 is on the minus strand). VCF-style: chr17-45286574-G-A. GRCh37 (hg19) VCF-style: chr17-43363941-G-A.
Other names: c.1009C>T, p.Leu337= (LRG_1222t1).
Identifiers: ClinVar variation 544335 (VCV000544335.37), dbSNP rs374376396, ClinGen allele CA8614232.

ClinVar aggregate classification (germline): Likely benign. Review status: criteria provided, multiple submitters, no conflicts (2 of 4 stars). 4 submissions from 4 submitters: Likely benign (4). Last evaluated 2026-08-01.

Conditions:
NIK deficiency. Also called: Primary immunodeficiency with multifaceted aberrant lymphoid immunity. Identifiers: Orphanet 447731, MedGen C5680065, MONDO:0018642.

Allele frequency attached by ClinVar (database versions not stated): ExAC 0.00038; 1000 Genomes Project 0.00040; 1000 Genomes Project 30x 0.00047; gnomAD exomes 0.00048 and 0.00065; ESP Exome Variant Server 0.00057; gnomAD 0.00066 and 0.00071; TOPMed 0.00085.
gnomAD v4.1: 1,071 of 1,611,348 alleles (0.066%); highest among the groups gnomAD compares: Admixed American, 0.17%; no homozygotes.

Submissions (4):

CeGaT Center for Human Genetics Tuebingen
Classification: Likely benign. Last evaluated: 2026-08-01. Review status: criteria provided, single submitter. Criteria: CeGaT Center For Human Genetics Tuebingen Variant Classification Criteria Version 2. Collection method: clinical testing. Allele origin: germline. Affected: yes. Observed: 2 variant alleles.
Comment: MAP3K14: BP4, BP7

Labcorp Genetics (formerly Invitae), Labcorp
Classification: Likely benign for NIK deficiency. Last evaluated: 2026-01-06. Review status: criteria provided, single submitter. Criteria: Invitae Variant Classification Sherloc (09022015). Collection method: clinical testing. Allele origin: germline.

Blueprint Genetics
Classification: Likely benign. Last evaluated: 2024-11-26. Review status: criteria provided, single submitter. Criteria: ACMG Guidelines, 2015. Collection method: clinical testing. Allele origin: germline.

Breakthrough Genomics
Classification: Likely benign. Review status: criteria provided, single submitter. Criteria: ACMG Guidelines, 2015. Collection method: not provided. Allele origin: germline. Inheritance: Unknown mechanism. Affected: yes.